The following is an entry in ClinVar:

ClinVar aggregate classification (germline): Conflicting classifications of pathogenicity. Review status: criteria provided, conflicting classifications (1 of 4 stars). 2 submissions from 2 submitters: Uncertain significance (1); Likely benign (1). Last evaluated 2025-05-06.

Allele frequency attached by ClinVar (database versions not stated): ExAC 0.00002; gnomAD 0.00002; 1000 Genomes Project 0.00020; gnomAD exomes 0.00002; TOPMed 0.00003; 1000 Genomes Project 30x 0.00016.
gnomAD v4.1: 36 of 1,591,408 alleles (0.0023%); highest among the groups gnomAD compares: South Asian, 0.019%; no homozygotes.

Submissions (2):

Ambry Genetics
Classification: Likely benign. Last evaluated: 2025-05-06. Review status: criteria provided, single submitter. Criteria: Ambry Variant Classification Scheme 2023. Collection method: clinical testing. Allele origin: germline.

Labcorp Genetics (formerly Invitae), Labcorp
Classification: Uncertain significance. Last evaluated: 2022-03-11. Review status: criteria provided, single submitter. Criteria: Invitae Variant Classification Sherloc (09022015). Collection method: clinical testing. Allele origin: germline.
Comment: This sequence change replaces isoleucine, which is neutral and non-polar, with valine, which is neutral and non-polar, at codon 1564 of the CCDC88A protein (p.Ile1564Val). This variant is present in population databases (rs544349538, gnomAD 0.03%). This variant has not been reported in the literature in individuals affected with CCDC88A-related conditions. Algorithms developed to predict the effect of missense changes on protein structure and function output the following: SIFT: "Tolerated"; PolyPhen-2: "Benign"; Align-GVGD: "Class C0". The valine amino acid residue is found in multiple mammalian species, which suggests that this missense change does not adversely affect protein function. Algorithms developed to predict the effect of sequence changes on RNA splicing suggest that this variant may create or strengthen a splice site. In summary, the available evidence is currently insufficient to determine the role of this variant in disease. Therefore, it has been classified as a Variant of Uncertain Significance.

NM_001365480.1(CCDC88A):c.4693A>G (p.Ile1565Val)

Gene: CCDC88A (coiled-coil domain containing 88A; minus strand). Cytogenetic location: 2p16.1.
Variant type: single nucleotide variant.
Coding change: c.4693A>G on transcript NM_001365480.1 (MANE Select); coding-DNA position 4693, A replaced by G.
Protein change: p.Ile1565Val; replaces isoleucine 1565 with valine.
Molecular consequence: missense variant.
Genome position (GRCh38, 1-based): chr2:55,301,257, T>C on the plus strand (A>G on the coding strand, the complement: CCDC88A is on the minus strand). VCF-style: chr2-55301257-T-C. GRCh37 (hg19) VCF-style: chr2-55528393-T-C.
Other names: c.4690A>G, p.Ile1564Val (NM_001135597.2, NM_001254943.2); c.4609A>G, p.Ile1537Val (NM_018084.5); c.4690A>G (NM_001135597.1); short protein forms I1537V, I1564V, I1565V.
Identifiers: ClinVar variation 2052936 (VCV002052936.2), dbSNP rs544349538, ClinGen allele CA1665510.
Genomic context (GRCh38, chr2:55,301,257, plus strand): 5'-TTATCTTACCATGAACTCTTGATCCCGTACTAGAATCATCACTAACACCTTGTGGACTTA[T>C]GTCTTCAAAGGATGTAGTATCTACATAAAATAGCAAAATGGATATAAAGATATTTTTGTA-3'
Protein context (NP_001352409.1, residues 1555-1575): NNKDTTSFED[Ile1565Val]SPQGVSDDSS